The following is an entry in ClinVar:

NM_001458.5(FLNC):c.6808G>A (p.Glu2270Lys)

Genes: FLNC (filamin C; plus strand), FLNC-AS1 (FLNC antisense RNA 1; minus strand). Cytogenetic location: 7q32.1.
Variant type: single nucleotide variant.
Coding change: c.6808G>A on transcript NM_001458.5 (MANE Select); coding-DNA position 6808, G replaced by A.
Protein change: p.Glu2270Lys; replaces glutamic acid 2270 with lysine.
Molecular consequence: missense variant.
Genome position (GRCh38, 1-based): chr7:128,854,493, G>A. VCF-style: chr7-128854493-G-A. GRCh37 (hg19) VCF-style: chr7-128494547-G-A.
Other names: c.6709G>A, p.Glu2237Lys (NM_001127487.2); short protein forms E2270K, E2237K.
Identifiers: ClinVar variation 452911 (VCV000452911.53), dbSNP rs202223616, ClinGen allele CA4476094.
Genomic context (GRCh38, chr7:128,854,493, plus strand): 5'-ATGACTGCACAGGTGACCAGCCCATCGGGCAAGGTGGAAGCCGCAGAGATCGTCGAGGGC[G>A]AGGACAGCGCCTACAGCGTGCGCTTTGTGCCCCAGGAAATGGGGCCCCATACGGTCGCTG-3'
Protein context (NP_001449.3, residues 2260-2280): KVEAAEIVEG[Glu2270Lys]DSAYSVRFVP

ClinVar aggregate classification (germline): Conflicting classifications of pathogenicity. Review status: criteria provided, conflicting classifications (1 of 4 stars). 10 submissions from 10 submitters: Uncertain significance (1); Benign (1); Likely benign (7). 1 of the submissions does not count toward it. Last evaluated 2026-06-01.

Conditions:
Cardiovascular phenotype. Identifiers: MedGen CN230736.
Myofibrillar myopathy 5. Also called: Filaminopathy (type); FILAMINOPATHY, AUTOSOMAL DOMINANT. Identifiers: Orphanet 171445, MedGen C1836050, MONDO:0012289, OMIM 609524.
Hypertrophic cardiomyopathy 26. Also called: Cardiomyopathy, familial hypertrophic, 26. Identifiers: Orphanet 75249, MedGen C4310749, MONDO:0014883, OMIM 617047.
Distal myopathy with posterior leg and anterior hand involvement. Also called: WILLIAMS DISTAL MYOPATHY. Identifiers: Orphanet 63273, MedGen C3279722, MONDO:0013550, OMIM 614065.
FLNC-related disorder. Also called: FLNC-related disorders; FLNC-related condition.

Allele frequency attached by ClinVar (database versions not stated): 1000 Genomes Project 0.00020; 1000 Genomes Project 30x 0.00031; TOPMed 0.00054; ESP Exome Variant Server 0.00062; gnomAD 0.00066 and 0.00068.
gnomAD v4.1: 1,188 of 1,605,982 alleles (0.074%); highest among the groups gnomAD compares: Non-Finnish European, 0.088%; no homozygotes.

Submissions (10):

CeGaT Center for Human Genetics Tuebingen
Classification: Likely benign. Last evaluated: 2026-06-01. Review status: criteria provided, single submitter. Criteria: CeGaT Center For Human Genetics Tuebingen Variant Classification Criteria Version 2. Collection method: clinical testing. Allele origin: germline. Affected: yes. Observed: 6 variant alleles.
Comment: FLNC: BS1

Labcorp Genetics (formerly Invitae), Labcorp
Classification: Likely benign for Distal myopathy with posterior leg and anterior hand involvement; Myofibrillar myopathy 5; Hypertrophic cardiomyopathy 26. Last evaluated: 2026-02-01. Review status: criteria provided, single submitter. Criteria: Invitae Variant Classification Sherloc (09022015). Collection method: clinical testing. Allele origin: germline.

Molecular Diagnostic Laboratory for Inherited Cardiovascular Disease, Montreal Heart Institute
Classification: Benign. Last evaluated: 2025-04-09. Review status: criteria provided, single submitter. Criteria: ACMG Guidelines, 2015. Collection method: clinical testing. Allele origin: germline. Affected: no.
Comment: BS1, BS2, BP4, BP5, BP6

ARUP Laboratories, Molecular Genetics and Genomics, ARUP Laboratories
Classification: Likely benign. Last evaluated: 2024-11-01. Review status: criteria provided, single submitter. Criteria: ARUP Molecular Germline Variant Investigation Process 2024. Collection method: clinical testing. Allele origin: germline.

Blueprint Genetics
Classification: Likely benign. Last evaluated: 2024-10-29. Review status: criteria provided, single submitter. Criteria: ACMG Guidelines, 2015. Collection method: clinical testing. Allele origin: germline.

Women's Health and Genetics/Laboratory Corporation of America, LabCorp
Classification: Likely benign. Last evaluated: 2023-10-29. Review status: criteria provided, single submitter. Criteria: LabCorp Variant Classification Summary - May 2015. Collection method: clinical testing. Allele origin: germline.

GeneDx
Classification: Likely benign. Last evaluated: 2021-09-27. Review status: criteria provided, single submitter. Criteria: GeneDx Variant Classification Process June 2021. Collection method: clinical testing. Allele origin: germline. Affected: yes.
Comment: This variant is associated with the following publications: (PMID: 32112656)

Ambry Genetics
Classification: Likely benign for Cardiovascular phenotype. Last evaluated: 2019-06-10. Review status: criteria provided, single submitter. Criteria: Ambry Variant Classification Scheme 2023. Collection method: clinical testing. Allele origin: germline.

Eurofins Ntd Llc (ga)
Classification: Uncertain significance. Last evaluated: 2017-08-10. Review status: criteria provided, single submitter. Criteria: EGL Classification Definitions 2015. Collection method: clinical testing. Allele origin: germline. Observed: 1 variant allele, 1 heterozygote.

PreventionGenetics, part of Exact Sciences
Classification: Likely benign for FLNC-related condition. Last evaluated: 2020-08-31. Review status: no assertion criteria provided. Collection method: clinical testing. Allele origin: germline. Not counted in ClinVar's aggregate classification.
Comment: This variant is classified as likely benign based on ACMG/AMP sequence variant interpretation guidelines (Richards et al. 2015 PMID: 25741868, with internal and published modifications).

Literature cited by the submitters: PubMed 28356264 (cited by Ambry Genetics).